The following is an entry in ClinVar:

NM_182961.4(SYNE1):c.19893+5A>G

Gene: SYNE1 (spectrin repeat containing nuclear envelope protein 1; minus strand). Cytogenetic location: 6q25.2.
Variant type: single nucleotide variant.
Coding change: c.19893+5A>G on transcript NM_182961.4 (MANE Select); 5 bases into the intron after coding-DNA position 19893, A replaced by G.
Molecular consequence: intron variant.
Genome position (GRCh38, 1-based): chr6:152,242,235, T>C on the plus strand (A>G on the coding strand, the complement: SYNE1 is on the minus strand). VCF-style: chr6-152242235-T-C. GRCh37 (hg19) VCF-style: chr6-152563370-T-C.
Other names: c.19680+5A>G (NM_033071.5).
Identifiers: ClinVar variation 282627 (VCV000282627.10), dbSNP rs374102244, ClinGen allele CA10604245.

ClinVar aggregate classification (germline): Uncertain significance. Review status: criteria provided, multiple submitters, no conflicts (2 of 4 stars). 2 submissions from 2 submitters: Uncertain significance (2). Last evaluated 2023-05-22.

Conditions:
Autosomal recessive ataxia, Beauce type. Also called: Spinocerebellar ataxia, autosomal recessive 8; ATAXIA, RECESSIVE, OF BEAUCE; SYNE1-Related Autosomal Recessive Cerebellar Ataxia; SYNE1 Deficiency. Identifiers: Orphanet 88644, MedGen C1853116, MONDO:0012549, OMIM 610743.
Emery-Dreifuss muscular dystrophy 4, autosomal dominant (EDMD4). Also called: EMERY-DREIFUSS MUSCULAR DYSTROPHY 4 WITH VARIABLE FEATURES. Identifiers: Orphanet 261, MedGen C2751807, MONDO:0013071, OMIM 612998.

Allele frequency attached by ClinVar (database versions not stated): TOPMed below 0.00001; ESP Exome Variant Server 0.00008.
gnomAD v4.1: 13 of 1,612,996 alleles (0.00081%); highest among the groups gnomAD compares: African/African-American, 0.0013%; no homozygotes.

Submissions (2):

Labcorp Genetics (formerly Invitae), Labcorp
Classification: Uncertain significance for Emery-Dreifuss muscular dystrophy 4, autosomal dominant; Autosomal recessive ataxia, Beauce type. Last evaluated: 2023-05-22. Review status: criteria provided, single submitter. Criteria: Invitae Variant Classification Sherloc (09022015). Collection method: clinical testing. Allele origin: germline.
Comment: In summary, the available evidence is currently insufficient to determine the role of this variant in disease. Therefore, it has been classified as a Variant of Uncertain Significance. Variants that disrupt the consensus splice site are a relatively common cause of aberrant splicing (PMID: 17576681, 9536098). Algorithms developed to predict the effect of sequence changes on RNA splicing suggest that this variant is not likely to affect RNA splicing. ClinVar contains an entry for this variant (Variation ID: 282627). This variant has not been reported in the literature in individuals affected with SYNE1-related conditions. This variant is not present in population databases (gnomAD no frequency). This sequence change falls in intron 106 of the SYNE1 gene. It does not directly change the encoded amino acid sequence of the SYNE1 protein. It affects a nucleotide within the consensus splice site.

Eurofins Ntd Llc (ga)
Classification: Uncertain significance. Last evaluated: 2015-08-20. Review status: criteria provided, single submitter. Criteria: EGL Classification Definitions 2015. Collection method: clinical testing. Allele origin: germline. Observed: 1 variant allele, 1 heterozygote.

Literature cited by the submitters: PubMed 17576681 (cited by Labcorp Genetics (formerly Invitae), Labcorp); PubMed 9536098 (cited by Labcorp Genetics (formerly Invitae), Labcorp).